The following is an entry in ClinVar:

ClinVar aggregate classification (germline): Pathogenic. Review status: criteria provided, multiple submitters, no conflicts (2 of 4 stars). 2 submissions from 2 submitters: Pathogenic (2). Last evaluated 2023-01-12.

Conditions:
Short-rib thoracic dysplasia 11 with or without polydactyly (SRTD11). Also called: SHORT-RIB THORACIC DYSPLASIA 11 WITHOUT POLYDACTYLY. Identifiers: Orphanet 474, Orphanet 93271, MedGen C3810200, MONDO:0014287, OMIM 615633.

Submissions (2):

Labcorp Genetics (formerly Invitae), Labcorp
Classification: Pathogenic for Short-rib thoracic dysplasia 11 with or without polydactyly. Last evaluated: 2023-01-12. Review status: criteria provided, single submitter. Criteria: Invitae Variant Classification Sherloc (09022015). Collection method: clinical testing. Allele origin: germline.
Comment: For these reasons, this variant has been classified as Pathogenic. This variant disrupts a region of the WDR34 protein in which other variant(s) (p.Thr514Argfs*11) have been determined to be pathogenic (PMID: 24183451). This suggests that this is a clinically significant region of the protein, and that variants that disrupt it are likely to be disease-causing. ClinVar contains an entry for this variant (Variation ID: 1323763). This variant has not been reported in the literature in individuals affected with WDR34-related conditions. This variant is present in population databases (rs760226714, gnomAD 0.0009%). This sequence change creates a premature translational stop signal (p.Phe439Leufs*36) in the WDR34 gene. While this is not anticipated to result in nonsense mediated decay, it is expected to disrupt the last 98 amino acid(s) of the WDR34 protein.

Revvity Omics, Revvity
Classification: Pathogenic for Short-rib thoracic dysplasia 11 with or without polydactyly. Last evaluated: 2019-09-17. Review status: criteria provided, single submitter. Criteria: ACMG Guidelines, 2015. Collection method: clinical testing. Allele origin: germline.

Literature cited by the submitters: PubMed 24183451 (cited by Labcorp Genetics (formerly Invitae), Labcorp).

NM_052844.4(DYNC2I2):c.1315_1318del (p.Phe439fs)

Gene: DYNC2I2 (dynein 2 intermediate chain 2; minus strand). Cytogenetic location: 9q34.11.
Variant type: Deletion.
Coding change: c.1315_1318del on transcript NM_052844.4 (MANE Select); coding-DNA positions 1315 to 1318, 4 bases deleted (TTTG; older notation c.1315_1318delTTTG).
Protein change: p.Phe439fs; shifts the reading frame from phenylalanine 439.
Molecular consequence: frameshift variant.
Genome position (GRCh38, 1-based): chr9:128,634,280-128,634,283, CAAA deleted on the plus strand (TTTG on the coding strand, the reverse complement: DYNC2I2 is on the minus strand); deleting any 4 consecutive bases within chr9:128,634,280-128,634,285 gives the same sequence; the c. name uses the placement nearest the transcript's 3' end. VCF-style (leftmost placement, unchanged base first): chr9-128634279-GCAAA-G. GRCh37 (hg19) VCF-style: chr9-131396558-GCAAA-G.
Other names: short protein forms F439fs.
Identifiers: ClinVar variation 1323763 (VCV001323763.8), dbSNP rs760226714, ClinGen allele CA5266265.